The following is an entry in ClinVar:

ClinVar aggregate classification (germline): Uncertain significance (0 of 4 stars; one submission).

Conditions:
PIK3R2-related disorder. Also called: PIK3R2-related condition.

Submission:

PreventionGenetics, part of Exact Sciences
Classification: Uncertain significance for PIK3R2-related condition. Last evaluated: 2023-12-07. Review status: no assertion criteria provided. Collection method: clinical testing. Allele origin: germline.
Comment: The PIK3R2 c.816-6C>G variant is predicted to interfere with splicing. To our knowledge, this variant has not been reported in the literature. This variant is reported in 0.0033% of alleles in individuals of South Asian descent in gnomAD. At this time, the clinical significance of this variant is uncertain due to the absence of conclusive functional and genetic evidence.

NM_005027.4(PIK3R2):c.816-6C>G

Gene: PIK3R2 (phosphoinositide-3-kinase regulatory subunit 2; plus strand). Cytogenetic location: 19p13.11.
Variant type: single nucleotide variant.
Coding change: c.816-6C>G on transcript NM_005027.4 (MANE Select); 6 bases into the intron before coding-DNA position 816, C replaced by G.
Molecular consequence: intron variant.
Genome position (GRCh38, 1-based): chr19:18,161,960, C>G. VCF-style: chr19-18161960-C-G. GRCh37 (hg19) VCF-style: chr19-18272770-C-G.
Identifiers: ClinVar variation 3032751 (VCV003032751.2), dbSNP rs768886482, ClinGen allele CA9306819.